The following is an entry in ClinVar:

NM_173354.5(SIK1):c.1375G>A (p.Asp459Asn)

Gene: SIK1 (salt inducible kinase 1; minus strand). Cytogenetic location: 21q22.3.
Variant type: single nucleotide variant.
Coding change: c.1375G>A on transcript NM_173354.5 (MANE Select); coding-DNA position 1375, G replaced by A.
Protein change: p.Asp459Asn; replaces aspartic acid 459 with asparagine.
Molecular consequence: missense variant.
Genome position (GRCh38, 1-based): chr21:43,419,108, C>T on the plus strand (G>A on the coding strand, the complement: SIK1 is on the minus strand). VCF-style: chr21-43419108-C-T. GRCh37 (hg19) VCF-style: chr21-44838988-C-T.
Other names: short protein forms D459N.
Identifiers: ClinVar variation 2140441 (VCV002140441.4), dbSNP rs1458394711, ClinGen allele CA410608135.

ClinVar aggregate classification (germline): Uncertain significance (1 of 4 stars; one submission).

Conditions:
Developmental and epileptic encephalopathy, 30 (DEE30). Also called: Epileptic encephalopathy, early infantile, 30. Identifiers: MedGen C4225360, MONDO:0014595, OMIM 616341.

Submission:

Labcorp Genetics (formerly Invitae), Labcorp
Classification: Uncertain significance for Developmental and epileptic encephalopathy, 30. Last evaluated: 2022-10-12. Review status: criteria provided, single submitter. Criteria: Invitae Variant Classification Sherloc (09022015). Collection method: clinical testing. Allele origin: germline.
Comment: In summary, the available evidence is currently insufficient to determine the role of this variant in disease. Therefore, it has been classified as a Variant of Uncertain Significance. Advanced modeling of protein sequence and biophysical properties (such as structural, functional, and spatial information, amino acid conservation, physicochemical variation, residue mobility, and thermodynamic stability) performed at Invitae indicates that this missense variant is not expected to disrupt SIK1 protein function. This variant has not been reported in the literature in individuals affected with SIK1-related conditions. The frequency data for this variant in the population databases is considered unreliable, as metrics indicate poor data quality at this position in the gnomAD database. This sequence change replaces aspartic acid, which is acidic and polar, with asparagine, which is neutral and polar, at codon 459 of the SIK1 protein (p.Asp459Asn).